The following is an entry in ClinVar:

ClinVar aggregate classification (germline): Benign/Likely benign. Review status: criteria provided, multiple submitters, no conflicts (2 of 4 stars). 5 submissions from 5 submitters: Benign (1); Likely benign (4). Last evaluated 2026-04-01.

Conditions:
WFS1-related disorder. Identifiers: MedGen CN379391, MONDO:0700293.
Autosomal dominant nonsyndromic hearing loss 6 (LFSNHL). Also called: DEAFNESS, AUTOSOMAL DOMINANT 6; DEAFNESS, AUTOSOMAL DOMINANT 14; DEAFNESS, AUTOSOMAL DOMINANT 38; Autosomal dominant nonsyndromic deafness 6. Identifiers: Orphanet 90635, MedGen C1833021, MONDO:0010963, OMIM 600965.
Type 2 diabetes mellitus. Also called: Type II diabetes mellitus. Identifiers: MedGen C0011860, MeSH D003924, MONDO:0005148, OMIM 125853, HP:0005978.
Wolfram-like syndrome. Also called: HEARING LOSS, PROGRESSIVE, WITH OPTIC ATROPHY AND/OR IMPAIRED GLUCOSE REGULATION. Identifiers: Orphanet 411590, MedGen C3280358, MONDO:0013673, OMIM 614296.
Cataract 41 (CTRCT41). Also called: CATARACT 41, CONGENITAL NUCLEAR TYPE. Identifiers: Orphanet 91492, Orphanet 98991, Orphanet 98992, Orphanet 98995, MedGen C3805412, MONDO:0007287, OMIM 116400.
Wolfram syndrome 1 (WFS1). Identifiers: Orphanet 3463, MedGen C4551693, MONDO:0009101, OMIM 222300.

Allele frequency attached by ClinVar (database versions not stated): gnomAD 0.00008 and 0.00017; TOPMed 0.00010; gnomAD exomes 0.00015 and 0.00036; ExAC 0.00050; 1000 Genomes Project 30x 0.00125; 1000 Genomes Project 0.00140.
gnomAD v4.1: 244 of 1,612,432 alleles (0.015%); highest among the groups gnomAD compares: South Asian, 0.22%; 3 homozygotes.

Submissions (5):

CeGaT Center for Human Genetics Tuebingen
Classification: Likely benign. Last evaluated: 2026-04-01. Review status: criteria provided, single submitter. Criteria: CeGaT Center For Human Genetics Tuebingen Variant Classification Criteria Version 2. Collection method: clinical testing. Allele origin: germline. Affected: yes. Observed: 1 variant allele.
Comment: WFS1: BP4, BP7

Labcorp Genetics (formerly Invitae), Labcorp
Classification: Benign. Last evaluated: 2025-08-09. Review status: criteria provided, single submitter. Criteria: Invitae Variant Classification Sherloc (09022015). Collection method: clinical testing. Allele origin: germline.

PreventionGenetics, part of Exact Sciences
Classification: Likely benign for WFS1-related condition. Last evaluated: 2025-07-12. Review status: criteria provided, single submitter. Criteria: ACMG Guidelines, 2015. Collection method: clinical testing. Allele origin: germline.
Comment: This variant is classified as likely benign based on ACMG/AMP sequence variant interpretation guidelines (Richards et al. 2015 PMID: 25741868, with internal and published modifications).

Blueprint Genetics
Classification: Likely benign. Last evaluated: 2023-05-04. Review status: criteria provided, single submitter. Criteria: ACMG Guidelines, 2015. Collection method: clinical testing. Allele origin: germline.

Fulgent Genetics
Classification: Likely benign for Cataract 41; Type 2 diabetes mellitus; Wolfram syndrome 1; Autosomal dominant nonsyndromic hearing loss 6; Wolfram-like syndrome. Last evaluated: 2022-01-18. Review status: criteria provided, single submitter. Criteria: ACMG Guidelines, 2015. Collection method: clinical testing. Allele origin: unknown.

NM_006005.3(WFS1):c.2391C>T (p.Asp797=)

Gene: WFS1 (wolframin ER transmembrane glycoprotein; plus strand). Cytogenetic location: 4p16.1.
Variant type: single nucleotide variant.
Coding change: c.2391C>T on transcript NM_006005.3 (MANE Select); coding-DNA position 2391, C replaced by T.
Protein change: p.Asp797=; no amino-acid change (aspartic acid 797 retained).
Molecular consequence: synonymous variant.
Genome position (GRCh38, 1-based): chr4:6,302,186, C>T. VCF-style: chr4-6302186-C-T. GRCh37 (hg19) VCF-style: chr4-6303913-C-T.
Other names: c.2391C>T, p.Asp797= (NM_001145853.1).
Identifiers: ClinVar variation 1600187 (VCV001600187.13), dbSNP rs548415089, ClinGen allele CA2839718.